The following is an entry in ClinVar:

NM_015978.3(TNNI3K):c.1511A>C (p.Asp504Ala)

Genes: FPGT-TNNI3K (FPGT-TNNI3K readthrough; plus strand), TNNI3K (TNNI3 interacting kinase; plus strand). Cytogenetic location: 1p31.1.
Variant type: single nucleotide variant.
Coding change: c.1511A>C on transcript NM_015978.3 (MANE Select); coding-DNA position 1511, A replaced by C.
Protein change: p.Asp504Ala; replaces aspartic acid 504 with alanine.
Molecular consequence: missense variant.
Genome position (GRCh38, 1-based): chr1:74,369,429, A>C. VCF-style: chr1-74369429-A-C. GRCh37 (hg19) VCF-style: chr1-74835113-A-C.
Other names: c.1814A>C, p.Asp605Ala (NM_001112808.3, NM_001199327.2); short protein forms D504A, D605A.
Identifiers: ClinVar variation 4745942 (VCV004745942.1).

ClinVar aggregate classification (germline): Uncertain significance (1 of 4 stars; one submission).

Submission:

Labcorp Genetics (formerly Invitae), Labcorp
Classification: Uncertain significance. Last evaluated: 2025-07-24. Review status: criteria provided, single submitter. Criteria: Invitae Variant Classification Sherloc (09022015). Collection method: clinical testing. Allele origin: germline.
Comment: This sequence change replaces aspartic acid, which is acidic and polar, with alanine, which is neutral and non-polar, at codon 504 of the TNNI3K protein (p.Asp504Ala). This variant is not present in population databases (gnomAD no frequency). This variant has not been reported in the literature in individuals affected with TNNI3K-related conditions. Invitae Evidence Modeling of protein sequence and biophysical properties (such as structural, functional, and spatial information, amino acid conservation, physicochemical variation, residue mobility, and thermodynamic stability) indicates that this missense variant is not expected to disrupt TNNI3K protein function with a negative predictive value of 80%. In summary, the available evidence is currently insufficient to determine the role of this variant in disease. Therefore, it has been classified as a Variant of Uncertain Significance.